The following is an entry in ClinVar:

NM_001378454.1(ALMS1):c.7444C>A (p.His2482Asn)

Gene: ALMS1 (ALMS1 centrosome and basal body associated protein; plus strand). Cytogenetic location: 2p13.1.
Variant type: single nucleotide variant.
Coding change: c.7444C>A on transcript NM_001378454.1 (MANE Select); coding-DNA position 7444, C replaced by A.
Protein change: p.His2482Asn; replaces histidine 2482 with asparagine.
Molecular consequence: missense variant.
Genome position (GRCh38, 1-based): chr2:73,453,971, C>A. VCF-style: chr2-73453971-C-A. GRCh37 (hg19) VCF-style: chr2-73681098-C-A.
Other names: c.7447C>A, p.His2483Asn (NM_015120.4); short protein forms H2483N, H2482N.
Identifiers: ClinVar variation 2073429 (VCV002073429.4), dbSNP rs1406670493, ClinGen allele CA347292480.

ClinVar aggregate classification (germline): Uncertain significance. Review status: criteria provided, multiple submitters, no conflicts (2 of 4 stars). 4 submissions from 4 submitters: Uncertain significance (4). Last evaluated 2024-12-02.

Conditions:
Cardiovascular phenotype. Identifiers: MedGen CN230736.
Alstrom syndrome (ALMS). Identifiers: Orphanet 64, MedGen C0268425, MONDO:0008763, OMIM 203800.

Allele frequency attached by ClinVar (database versions not stated): gnomAD 0.00001; gnomAD exomes 0.00001; TOPMed 0.00001.
gnomAD v4.1: 17 of 1,613,644 alleles (0.0011%); highest among the groups gnomAD compares: Non-Finnish European, 0.0014%; no homozygotes.

Submissions (4):

GeneDx
Classification: Uncertain significance. Last evaluated: 2024-12-02. Review status: criteria provided, single submitter. Criteria: GeneDx Variant Classification Process June 2021. Collection method: clinical testing. Allele origin: germline. Affected: yes.
Comment: Not observed at significant frequency in large population cohorts (gnomAD); In silico analysis supports that this missense variant has a deleterious effect on protein structure/function; Has not been previously published as pathogenic or benign to our knowledge

Ambry Genetics
Classification: Uncertain significance for Cardiovascular phenotype. Last evaluated: 2024-10-25. Review status: criteria provided, single submitter. Criteria: Ambry Variant Classification Scheme 2023. Collection method: clinical testing. Allele origin: germline.
Comment: The p.H2483N variant (also known as c.7447C>A), located in coding exon 8 of the ALMS1 gene, results from a C to A substitution at nucleotide position 7447. The histidine at codon 2483 is replaced by asparagine, an amino acid with similar properties. This amino acid position is well conserved in available vertebrate species. In addition, the in silico prediction for this alteration is inconclusive. Based on the available evidence, the clinical significance of this variant remains unclear.

Blueprint Genetics
Classification: Uncertain significance. Last evaluated: 2022-04-29. Review status: criteria provided, single submitter. Criteria: ACMG Guidelines, 2015. Collection method: clinical testing. Allele origin: germline.

Labcorp Genetics (formerly Invitae), Labcorp
Classification: Uncertain significance for Alstrom syndrome. Last evaluated: 2022-01-06. Review status: criteria provided, single submitter. Criteria: Invitae Variant Classification Sherloc (09022015). Collection method: clinical testing. Allele origin: germline.
Comment: This sequence change replaces histidine, which is basic and polar, with asparagine, which is neutral and polar, at codon 2483 of the ALMS1 protein (p.His2483Asn). This variant is present in population databases (no rsID available, gnomAD 0.0009%). This variant has not been reported in the literature in individuals affected with ALMS1-related conditions. Experimental studies and prediction algorithms are not available or were not evaluated, and the functional significance of this variant is currently unknown. In summary, the available evidence is currently insufficient to determine the role of this variant in disease. Therefore, it has been classified as a Variant of Uncertain Significance.